The following is an entry in ClinVar:

NM_000444.6(PHEX):c.1868G>A (p.Ser623Asn)

Genes: PHEX (phosphate regulating endopeptidase X-linked; plus strand), PTCHD1-AS (PTCHD1 antisense RNA (head to head); minus strand). Cytogenetic location: Xp22.11.
Variant type: single nucleotide variant.
Coding change: c.1868G>A on transcript NM_000444.6 (MANE Select); coding-DNA position 1868, G replaced by A.
Protein change: p.Ser623Asn; replaces serine 623 with asparagine.
Molecular consequence: missense variant.
Genome position (GRCh38, 1-based): chrX:22,221,712, G>A. VCF-style: chrX-22221712-G-A. GRCh37 (hg19) VCF-style: chrX-22239829-G-A.
Other names: c.1868G>A, p.Ser623Asn (NM_001282754.2); short protein forms S623N.
Identifiers: ClinVar variation 3345111 (VCV003345111.1).

ClinVar aggregate classification (germline): Uncertain significance (0 of 4 stars; one submission).

Conditions:
PHEX-related disorder. Also called: PHEX-related condition.

gnomAD v4.1: 8 of 1,204,986 alleles (0.00066%); highest among the groups gnomAD compares: Non-Finnish European, 0.0009%; no homozygotes.

Submission:

PreventionGenetics, part of Exact Sciences
Classification: Uncertain significance for PHEX-related condition. Last evaluated: 2024-06-01. Review status: no assertion criteria provided. Collection method: clinical testing. Allele origin: germline.
Comment: The PHEX c.1868G>A variant is predicted to result in the amino acid substitution p.Ser623Asn. To our knowledge, this variant has not been reported in the literature or in a large population database, indicating this variant is rare. At this time, the clinical significance of this variant is uncertain due to the absence of conclusive functional and genetic evidence.